The following is an entry in ClinVar:

NM_032806.6(POMGNT2):c.1365G>A (p.Pro455=)

Gene: POMGNT2 (protein O-linked mannose N-acetylglucosaminyltransferase 2 (beta 1,4-); minus strand). Cytogenetic location: 3p22.1.
Variant type: single nucleotide variant.
Coding change: c.1365G>A on transcript NM_032806.6 (MANE Select); coding-DNA position 1365, G replaced by A.
Protein change: p.Pro455=; no amino-acid change (proline 455 retained).
Molecular consequence: synonymous variant.
Genome position (GRCh38, 1-based): chr3:43,080,067, C>T on the plus strand (G>A on the coding strand, the complement: POMGNT2 is on the minus strand). VCF-style: chr3-43080067-C-T. GRCh37 (hg19) VCF-style: chr3-43121559-C-T.
Other names: p.Pro455=.
Identifiers: ClinVar variation 262104 (VCV000262104.14), dbSNP rs604033, ClinGen allele CA2339865.

ClinVar aggregate classification (germline): Benign/Likely benign. Review status: criteria provided, multiple submitters, no conflicts (2 of 4 stars). 8 submissions from 7 submitters: Benign (7); Likely benign (1). Last evaluated 2026-02-04.

Conditions:
Muscular dystrophy-dystroglycanopathy (limb-girdle), type C, 8. Also called: MUSCULAR DYSTROPHY, LIMB-GIRDLE, AUTOSOMAL RECESSIVE 24; MUSCULAR DYSTROPHY-DYSTROGLYCANOPATHY, LIMB-GIRDLE, POMGNT2-RELATED. Identifiers: MedGen C4748320, MONDO:0029135, OMIM 618135.
Muscular dystrophy-dystroglycanopathy (congenital with brain and eye anomalies), type a, 8 (MDDGA8). Also called: WALKER-WARBURG SYNDROME OR MUSCLE-EYE-BRAIN DISEASE, GTDC2-RELATED. Identifiers: Orphanet 899, MedGen C3553813, MONDO:0013904, OMIM 614830.

Allele frequency attached by ClinVar (database versions not stated): 1000 Genomes Project 0.78275; 1000 Genomes Project 30x 0.78576; ExAC 0.78602; gnomAD exomes 0.78866; gnomAD 0.80050; TOPMed 0.80283; ESP Exome Variant Server 0.80432.
gnomAD v4.1: 1,280,739 of 1,613,634 alleles (79%); highest among the groups gnomAD compares: Admixed American, 82%; 509,310 homozygotes.

Submissions (8):

Labcorp Genetics (formerly Invitae), Labcorp
Classification: Benign for Muscular dystrophy-dystroglycanopathy (congenital with brain and eye anomalies), type a, 8. Last evaluated: 2026-02-04. Review status: criteria provided, single submitter. Criteria: Invitae Variant Classification Sherloc (09022015). Collection method: clinical testing. Allele origin: germline.

Blueprint Genetics
Classification: Likely benign. Last evaluated: 2024-11-26. Review status: criteria provided, single submitter. Criteria: ACMG Guidelines, 2015. Collection method: clinical testing. Allele origin: germline.

Genome-Nilou Lab
Classification: Benign for Muscular dystrophy-dystroglycanopathy (congenital with brain and eye anomalies), type a, 8. Last evaluated: 2021-10-25. Review status: criteria provided, single submitter. Criteria: ACMG Guidelines, 2015. Collection method: clinical testing. Allele origin: germline. Affected: no.

Genome-Nilou Lab
Classification: Benign for Muscular dystrophy-dystroglycanopathy (limb-girdle), type C, 8. Last evaluated: 2021-10-25. Review status: criteria provided, single submitter. Criteria: ACMG Guidelines, 2015. Collection method: clinical testing. Allele origin: germline. Affected: no.

Mayo Clinic Laboratories, Mayo Clinic
Classification: Benign. Last evaluated: 2018-09-24. Review status: criteria provided, single submitter. Criteria: ACMG Guidelines, 2015. Collection method: clinical testing. Allele origin: germline. Observed: 736 variant alleles.

GeneDx
Classification: Benign. Last evaluated: 2016-01-08. Review status: criteria provided, single submitter. Criteria: GeneDx Variant Classification (06012015). Collection method: clinical testing. Allele origin: germline. Affected: yes.
Comment: This variant is considered likely benign or benign based on one or more of the following criteria: it is a conservative change, it occurs at a poorly conserved position in the protein, it is predicted to be benign by multiple in silico algorithms, and/or has population frequency not consistent with disease.

Breakthrough Genomics
Classification: Benign. Review status: criteria provided, single submitter. Criteria: ACMG Guidelines, 2015. Collection method: not provided. Allele origin: germline. Inheritance: Autosomal recessive inheritance. Affected: yes.

PreventionGenetics, part of Exact Sciences
Classification: Benign. Review status: criteria provided, single submitter. Criteria: ACMG Guidelines, 2015. Collection method: clinical testing. Allele origin: germline.